The following is an entry in ClinVar:

NM_000836.4(GRIN2D):c.114_143del (p.Gly39_Ala48del)

Genes: GRIN2D (glutamate ionotropic receptor NMDA type subunit 2D; plus strand), LOC130064855 (ATAC-STARR-seq lymphoblastoid silent region 10879; plus strand). Cytogenetic location: 19q13.33.
Variant type: Deletion.
Coding change: c.114_143del on transcript NM_000836.4 (MANE Select); coding-DNA positions 114 to 143, 30 bases deleted (CGGTGGGCCCGGCGGCGGCCTCGGCGGGGC).
Protein change: p.Gly39_Ala48del.
Molecular consequence: inframe deletion.
Genome position (GRCh38, 1-based): chr19:48,398,506-48,398,535, CGGTGGGCCCGGCGGCGGCCTCGGCGGGGC deleted; deleting any 30 consecutive bases within chr19:48,398,498-48,398,535 gives the same sequence; the c. name uses the placement nearest the transcript's 3' end. VCF-style (leftmost placement, unchanged base first): chr19-48398497-GGGCGGGGCCGGTGGGCCCGGCGGCGGCCTC-G. GRCh37 (hg19) VCF-style: chr19-48901754-GGGCGGGGCCGGTGGGCCCGGCGGCGGCCTC-G.
Identifiers: ClinVar variation 1397097 (VCV001397097.8), dbSNP rs918214321, ClinGen allele CA309325472.

ClinVar aggregate classification (germline): Uncertain significance (1 of 4 stars; one submission).

Submission:

Labcorp Genetics (formerly Invitae), Labcorp
Classification: Uncertain significance. Last evaluated: 2024-12-15. Review status: criteria provided, single submitter. Criteria: Invitae Variant Classification Sherloc (09022015). Collection method: clinical testing. Allele origin: germline.
Comment: This variant, c.114_143del, results in the deletion of 10 amino acid(s) of the GRIN2D protein (p.Gly39_Ala48del), but otherwise preserves the integrity of the reading frame. The frequency data for this variant in the population databases is considered unreliable, as metrics indicate insufficient coverage at this position in the gnomAD database. This variant has not been reported in the literature in individuals affected with GRIN2D-related conditions. ClinVar contains an entry for this variant (Variation ID: 1397097). Experimental studies and prediction algorithms are not available or were not evaluated, and the functional significance of this variant is currently unknown. In summary, the available evidence is currently insufficient to determine the role of this variant in disease. Therefore, it has been classified as a Variant of Uncertain Significance.